The following is an entry in ClinVar:

NM_001136035.4(TRMT1):c.691G>A (p.Asp231Asn)

Gene: TRMT1 (tRNA methyltransferase 1; minus strand). Cytogenetic location: 19p13.13.
Variant type: single nucleotide variant.
Coding change: c.691G>A on transcript NM_001136035.4 (MANE Select); coding-DNA position 691, G replaced by A.
Protein change: p.Asp231Asn; replaces aspartic acid 231 with asparagine.
Molecular consequence: missense variant. On other transcripts: 5 prime UTR variant (1).
Genome position (GRCh38, 1-based): chr19:13,112,962, C>T on the plus strand (G>A on the coding strand, the complement: TRMT1 is on the minus strand). VCF-style: chr19-13112962-C-T. GRCh37 (hg19) VCF-style: chr19-13223776-C-T.
Other names: c.691G>A, p.Asp231Asn (NM_001142554.3, NM_001351760.2, NM_017722.5); c.583G>A, p.Asp195Asn (NM_001351761.2); c.-80G>A (NM_001351762.2); c.691G>A (NM_017722.3); short protein forms D195N, D231N.
Identifiers: ClinVar variation 3067818 (VCV003067818.4).

ClinVar aggregate classification (germline): Uncertain significance (1 of 4 stars; one submission).

Conditions:
Inborn genetic diseases. Identifiers: MedGen C0950123, MeSH D030342.

gnomAD v4.1: 48 of 1,613,776 alleles (0.003%); highest among the groups gnomAD compares: Non-Finnish European, 0.0033%; no homozygotes.

Submissions (2):

Ambry Genetics
Classification: Uncertain significance for Inborn genetic diseases. Last evaluated: 2025-05-20. Review status: criteria provided, single submitter. Criteria: Ambry Variant Classification Scheme 2023. Collection method: clinical testing. Allele origin: germline.

Clinical Genetics, University Hospital Uppsala
No classification provided (evidence only). Condition: Intellectual developmental disorder, autosomal recessive 68. Last evaluated: 2024-03-22. Review status: no classification provided. Criteria: ACMG Guidelines, 2015. Collection method: in vitro. Allele origin: not applicable. Inheritance: Autosomal recessive inheritance. Functional consequence: effect on protein activity. Not counted in ClinVar's aggregate classification.
Comment: The p.Asp231Asn variant in TRMT1 is rare in the gnomAD v4 population, predicted damaging (REVEL) and fuctional studies support a decreased protein activity. The classification of the variant is based on the PM2_supporting, PP3_moderate and PS3 criteria.

"Likely pathogenic" was previously submitted as the classification for the variant. However, the classification appeared to be based only on an observation of functional data so it was converted to no classification on 2025-07-30.